The following is an entry in ClinVar:

NM_020738.4(KIDINS220):c.5255T>G (p.Leu1752Arg)

Gene: KIDINS220 (kinase D interacting substrate 220; minus strand). Cytogenetic location: 2p25.1.
Variant type: single nucleotide variant.
Coding change: c.5255T>G on transcript NM_020738.4 (MANE Select); coding-DNA position 5255, T replaced by G.
Protein change: p.Leu1752Arg; replaces leucine 1752 with arginine.
Molecular consequence: missense variant. On other transcripts: intron variant (6).
Genome position (GRCh38, 1-based): chr2:8,730,781, A>C on the plus strand (T>G on the coding strand, the complement: KIDINS220 is on the minus strand). VCF-style: chr2-8730781-A-C. GRCh37 (hg19) VCF-style: chr2-8870911-A-C.
Other names: c.5255T>G (NM_020738.2); c.5258T>G, p.Leu1753Arg (NM_001348729.2); c.5201T>G, p.Leu1734Arg (NM_001348731.2); c.5198T>G, p.Leu1733Arg (NM_001348732.2); c.5087T>G, p.Leu1696Arg (NM_001348734.2); c.5084T>G, p.Leu1695Arg (NM_001348735.2); c.4958T>G, p.Leu1653Arg (NM_001348736.2); c.3882+2663T>G (NM_001348741.2, NM_001348742.2, NM_001348743.2); and 2 more; short protein forms L1653R, L1734R, L1695R, L1696R, L1733R, L1752R, L1753R.
Identifiers: ClinVar variation 2162559 (VCV002162559.7), dbSNP rs772060146, ClinGen allele CA1519225.

ClinVar aggregate classification (germline): Uncertain significance. Review status: criteria provided, multiple submitters, no conflicts (2 of 4 stars). 2 submissions from 2 submitters: Uncertain significance (2). Last evaluated 2025-03-19.

Conditions:
KIDINS220-related disorder. Also called: KIDINS220-related condition.

Allele frequency attached by ClinVar (database versions not stated): ExAC 0.00001; gnomAD 0.00001; gnomAD exomes 0.00001; TOPMed 0.00006.
gnomAD v4.1: 13 of 1,614,028 alleles (0.00081%); highest among the groups gnomAD compares: Middle Eastern, 0.016%; no homozygotes.

Submissions (2):

Labcorp Genetics (formerly Invitae), Labcorp
Classification: Uncertain significance. Last evaluated: 2025-03-19. Review status: criteria provided, single submitter. Criteria: Invitae Variant Classification Sherloc (09022015). Collection method: clinical testing. Allele origin: germline.
Comment: This sequence change replaces leucine, which is neutral and non-polar, with arginine, which is basic and polar, at codon 1752 of the KIDINS220 protein (p.Leu1752Arg). This variant is present in population databases (rs772060146, gnomAD 0.008%). This variant has not been reported in the literature in individuals affected with KIDINS220-related conditions. ClinVar contains an entry for this variant (Variation ID: 2162559). An algorithm developed to predict the effect of missense changes on protein structure and function (PolyPhen-2) suggests that this variant is likely to be disruptive. In summary, the available evidence is currently insufficient to determine the role of this variant in disease. Therefore, it has been classified as a Variant of Uncertain Significance.

PreventionGenetics, part of Exact Sciences
Classification: Uncertain significance for KIDINS220-related condition. Last evaluated: 2025-02-09. Review status: criteria provided, single submitter. Criteria: ACMG Guidelines, 2015. Collection method: clinical testing. Allele origin: germline.
Comment: The KIDINS220 c.5255T>G variant is predicted to result in the amino acid substitution p.Leu1752Arg. To our knowledge, this variant has not been reported in the literature. This variant is reported in 0.0083% of alleles in individuals of African descent in gnomAD. At this time, the clinical significance of this variant is uncertain due to the absence of conclusive functional and genetic evidence.